The following is an entry in ClinVar:

NM_024598.4(USB1):c.505A>T (p.Thr169Ser)

Gene: USB1 (U6 snRNA biogenesis phosphodiesterase 1; plus strand). Cytogenetic location: 16q21.
Variant type: single nucleotide variant.
Coding change: c.505A>T on transcript NM_024598.4 (MANE Select); coding-DNA position 505, A replaced by T.
Protein change: p.Thr169Ser; replaces threonine 169 with serine.
Molecular consequence: missense variant.
Genome position (GRCh38, 1-based): chr16:58,017,335, A>T. VCF-style: chr16-58017335-A-T. GRCh37 (hg19) VCF-style: chr16-58051239-A-T.
Other names: c.451A>T, p.Thr151Ser (NM_001195302.2); c.352A>T, p.Thr118Ser (NM_001330568.2); short protein forms T118S, T169S, T151S.
Identifiers: ClinVar variation 3978139 (VCV003978139.1).
Genomic context (GRCh38, chr16:58,017,335, plus strand): 5'-GCAGATGGCTGTGTTCTCAGAGGCTACATCTCATGCCTGCGTTGTCTTCCTCTCCCCAGG[A>T]CCTTTATTGGGCTTGAGGTCACTTCAGGGCATGCCCAGTTCCTGGACCTGGTTTCAGAGG-3'
Protein context (NP_078874.2, residues 159-179): KIYTNQEKTR[Thr169Ser]FIGLEVTSGH

ClinVar aggregate classification (germline): Uncertain significance (1 of 4 stars; one submission).

Conditions:
Inborn genetic diseases. Identifiers: MedGen C0950123, MeSH D030342.

Submission:

Ambry Genetics
Classification: Uncertain significance for Inborn genetic diseases. Last evaluated: 2025-03-19. Review status: criteria provided, single submitter. Criteria: Ambry Variant Classification Scheme 2023. Collection method: clinical testing. Allele origin: germline.
Comment: The p.T169S variant (also known as c.505A>T), located in coding exon 5 of the USB1 gene, results from an A to T substitution at nucleotide position 505. The threonine at codon 169 is replaced by serine, an amino acid with similar properties. This amino acid position is conserved. In addition, this alteration is predicted to be tolerated by in silico analysis. Based on the available evidence, the clinical significance of this variant remains unclear.